The following is an entry in ClinVar:

NM_001113498.3(MDGA2):c.278_279dup (p.Ala94fs)

Gene: MDGA2 (MAM domain containing glycosylphosphatidylinositol anchor 2; minus strand). Cytogenetic location: 14q21.3.
Variant type: Duplication.
Coding change: c.278_279dup on transcript NM_001113498.3 (MANE Select); coding-DNA positions 278 to 279, 2 bases duplicated (AC; older notation c.278_279dupAC).
Protein change: p.Ala94fs; shifts the reading frame from alanine 94.
Molecular consequence: frameshift variant.
Genome position (GRCh38, 1-based): chr14:47,674,518-47,674,519, GT duplicated on the plus strand (AC on the coding strand, the reverse complement: MDGA2 is on the minus strand). VCF-style (leftmost placement, unchanged base first): chr14-47674517-C-CGT. GRCh37 (hg19) VCF-style: chr14-48143720-C-CGT.
Other names: short protein forms A94fs.
Identifiers: ClinVar variation 1708469 (VCV001708469.2), dbSNP rs2504344357, ClinGen allele CA2580088131.

ClinVar aggregate classification (germline): Likely pathogenic (1 of 4 stars; one submission).

Conditions:
Intellectual disability. Also called: intellectual disabilities; Intellectual functioning disability; Intellectual developmental disorder. Identifiers: MedGen C3714756, MeSH D008607, MONDO:0001071, HP:0001249.

Submission:

Genetics Laboratory, UDIAT-Centre Diagnòstic, Hospital Universitari Parc Tauli
Classification: Likely pathogenic for Intellectual disability. Last evaluated: 2022-10-04. Review status: criteria provided, single submitter. Criteria: Parc Tauli Hospital Assertion Criteria 2021. Collection method: clinical testing. Allele origin: paternal. Inheritance: Autosomal dominant inheritance. Affected: yes.
Comment: PVS1;PM2_supporting